The following is an entry in ClinVar:

ClinVar aggregate classification (germline): Likely benign. Review status: criteria provided, multiple submitters, no conflicts (2 of 4 stars). 3 submissions from 3 submitters: Likely benign (2). 1 of the submissions does not count toward it. Last evaluated 2025-05-10.

Conditions:
LAMTOR2-related disorder. Also called: LAMTOR2-related condition.

Allele frequency attached by ClinVar (database versions not stated): gnomAD 0.00002; TOPMed 0.00002; ExAC 0.00008.
gnomAD v4.1: 47 of 1,613,624 alleles (0.0029%); highest among the groups gnomAD compares: Non-Finnish European, 0.0037%; no homozygotes.

Submissions (3):

Labcorp Genetics (formerly Invitae), Labcorp
Classification: Likely benign. Last evaluated: 2025-05-10. Review status: criteria provided, single submitter. Criteria: Invitae Variant Classification Sherloc (09022015). Collection method: clinical testing. Allele origin: germline.

Blueprint Genetics
Classification: Likely benign. Last evaluated: 2024-07-22. Review status: criteria provided, single submitter. Criteria: ACMG Guidelines, 2015. Collection method: clinical testing. Allele origin: germline.

PreventionGenetics, part of Exact Sciences
Classification: Likely benign for LAMTOR2-related condition. Last evaluated: 2020-12-31. Review status: no assertion criteria provided. Collection method: clinical testing. Allele origin: germline. Not counted in ClinVar's aggregate classification.
Comment: This variant is classified as likely benign based on ACMG/AMP sequence variant interpretation guidelines (Richards et al. 2015 PMID: 25741868, with internal and published modifications).

NM_014017.4(LAMTOR2):c.69-9C>G

Gene: LAMTOR2 (late endosomal/lysosomal adaptor, MAPK and MTOR activator 2; plus strand). Cytogenetic location: 1q22.
Variant type: single nucleotide variant.
Coding change: c.69-9C>G on transcript NM_014017.4 (MANE Select); 9 bases into the intron before coding-DNA position 69, C replaced by G.
Molecular consequence: intron variant.
Genome position (GRCh38, 1-based): chr1:156,055,254, C>G. VCF-style: chr1-156055254-C-G. GRCh37 (hg19) VCF-style: chr1-156025045-C-G.
Other names: c.69-9C>G (NM_001145264.2).
Identifiers: ClinVar variation 757495 (VCV000757495.11), dbSNP rs767635940, ClinGen allele CA1154309.